The following is an entry in ClinVar:

ClinVar aggregate classification (germline): Benign/Likely benign. Review status: criteria provided, multiple submitters, no conflicts (2 of 4 stars). 3 submissions from 3 submitters: Benign (1); Likely benign (2). Last evaluated 2018-06-19.

Allele frequency attached by ClinVar (database versions not stated): 1000 Genomes Project 0.01218; ESP Exome Variant Server 0.02360; 1000 Genomes Project 30x 0.01187; TOPMed 0.02008; gnomAD 0.02376 and 0.02380; gnomAD exomes 0.02936 and 0.02935; ExAC 0.03026.
gnomAD v4.1: 46,259 of 1,606,222 alleles (2.9%); highest among the groups gnomAD compares: Middle Eastern, 3.8%; 822 homozygotes.

Submissions (3):

GeneDx
Classification: Benign. Last evaluated: 2018-06-19. Review status: criteria provided, single submitter. Criteria: GeneDx Variant Classification (06012015). Collection method: clinical testing. Allele origin: germline. Affected: yes.
Comment: This variant is considered likely benign or benign based on one or more of the following criteria: it is a conservative change, it occurs at a poorly conserved position in the protein, it is predicted to be benign by multiple in silico algorithms, and/or has population frequency not consistent with disease.

Breakthrough Genomics
Classification: Likely benign. Review status: criteria provided, single submitter. Criteria: ACMG Guidelines, 2015. Collection method: not provided. Allele origin: germline. Inheritance: Autosomal recessive inheritance. Affected: yes.

PreventionGenetics, part of Exact Sciences
Classification: Likely benign. Review status: criteria provided, single submitter. Criteria: ACMG Guidelines, 2015. Collection method: clinical testing. Allele origin: germline.

NM_000090.4(COL3A1):c.4011+34A>G

Gene: COL3A1 (collagen type III alpha 1 chain; plus strand). Cytogenetic location: 2q32.2.
Variant type: single nucleotide variant.
Coding change: c.4011+34A>G on transcript NM_000090.4 (MANE Select); 34 bases into the intron after coding-DNA position 4011, A replaced by G.
Molecular consequence: intron variant.
Genome position (GRCh38, 1-based): chr2:189,010,399, A>G. VCF-style: chr2-189010399-A-G. GRCh37 (hg19) VCF-style: chr2-189875125-A-G.
Identifiers: ClinVar variation 254971 (VCV000254971.3), dbSNP rs41265549, ClinGen allele CA076391.